The following is an entry in ClinVar:

ClinVar aggregate classification (germline): Likely benign. Review status: criteria provided, multiple submitters, no conflicts (2 of 4 stars). 2 submissions from 2 submitters: Likely benign (2). Last evaluated 2025-11-20.

Conditions:
Dilated cardiomyopathy 1AA (CMD1AA). Also called: CARDIOMYOPATHY, DILATED, 1AA, WITH OR WITHOUT LEFT VENTRICULAR NONCOMPACTION; CARDIOMYOPATHY, FAMILIAL HYPERTROPHIC, 23, WITH OR WITHOUT LEFT VENTRICULAR NONCOMPACTION; Cardiomyopathy, dilated, 1AA, with or without LVNC. Identifiers: Orphanet 154, MedGen C2677338, MONDO:0012808, OMIM 612158.
Primary familial hypertrophic cardiomyopathy (HCM). Identifiers: Orphanet 99739, MedGen C0949658, MeSH D024741, MONDO:0024573. Inheritance: Various modes of inheritance.

Allele frequency attached by ClinVar (database versions not stated): gnomAD 0.00001; gnomAD exomes 0.00002; TOPMed 0.00003.
gnomAD v4.1: 30 of 1,614,014 alleles (0.0019%); highest among the groups gnomAD compares: Non-Finnish European, 0.0024%; no homozygotes.

Submissions (2):

Labcorp Genetics (formerly Invitae), Labcorp
Classification: Likely benign for Primary familial hypertrophic cardiomyopathy; Dilated cardiomyopathy 1AA. Last evaluated: 2025-11-20. Review status: criteria provided, single submitter. Criteria: Invitae Variant Classification Sherloc (09022015). Collection method: clinical testing. Allele origin: germline.

GeneDx
Classification: Likely benign. Last evaluated: 2015-11-23. Review status: criteria provided, single submitter. Criteria: GeneDx Variant Classification (06012015). Collection method: clinical testing. Allele origin: germline. Affected: yes.
Comment: This variant is considered likely benign or benign based on one or more of the following criteria: it is a conservative change, it occurs at a poorly conserved position in the protein, it is predicted to be benign by multiple in silico algorithms, and/or has population frequency not consistent with disease.

NM_001103.4(ACTN2):c.242-6C>T

Gene: ACTN2 (actinin alpha 2; plus strand). Cytogenetic location: 1q43.
Variant type: single nucleotide variant.
Coding change: c.242-6C>T on transcript NM_001103.4 (MANE Select); 6 bases into the intron before coding-DNA position 242, C replaced by T.
Molecular consequence: intron variant.
Genome position (GRCh38, 1-based): chr1:236,718,888, C>T. VCF-style: chr1-236718888-C-T. GRCh37 (hg19) VCF-style: chr1-236882188-C-T.
Other names: c.-580-6C>T (NM_001278344.2); c.242-6C>T (NM_001278343.2).
Identifiers: ClinVar variation 381744 (VCV000381744.10), dbSNP rs1057521158, ClinGen allele CA16603596.